The following is an entry in ClinVar:

NM_000051.4(ATM):c.7201A>G (p.Ile2401Val)

Genes: ATM (ATM serine/threonine kinase; plus strand), C11orf65 (chromosome 11 open reading frame 65; minus strand). Cytogenetic location: 11q22.3.
Variant type: single nucleotide variant.
Coding change: c.7201A>G on transcript NM_000051.4 (MANE Select); coding-DNA position 7201, A replaced by G.
Protein change: p.Ile2401Val; replaces isoleucine 2401 with valine.
Molecular consequence: missense variant. On other transcripts: intron variant (2).
Genome position (GRCh38, 1-based): chr11:108,329,132, A>G. VCF-style: chr11-108329132-A-G. GRCh37 (hg19) VCF-style: chr11-108199859-A-G.
Other names: c.7201A>G, p.Ile2401Val (NM_001351834.2); c.641-20061T>C (NM_001330368.2); c.*38+6088T>C (NM_001351110.2); short protein forms I2401V.
Identifiers: ClinVar variation 568732 (VCV000568732.8), dbSNP rs1565526813, ClinGen allele CA382559616.

ClinVar aggregate classification (germline): Uncertain significance. Review status: criteria provided, multiple submitters, no conflicts (2 of 4 stars). 2 submissions from 2 submitters: Uncertain significance (2). Last evaluated 2023-09-26.

Conditions:
Familial cancer of breast. Also called: BREAST CANCER, FAMILIAL; Hereditary breast cancer; hereditary breast carcinoma. Identifiers: Orphanet 227535, MedGen C0346153, MONDO:0016419, OMIM 114480. Disease mechanism: loss of function.
Ataxia-telangiectasia syndrome (AT). Also called: Cerebello-oculocutaneous telangiectasia; Immunodeficiency with ataxia telangiectasia; Ataxia-telangiectasia, complementation group E; Ataxia-telangiectasia, complementation group D; AT, COMPLEMENTATION GROUP C; ATAXIA-TELANGIECTASIA, COMPLEMENTATION GROUP A. Identifiers: Orphanet 100, MedGen C0004135, MONDO:0008840, OMIM 208900.

Allele frequency attached by ClinVar (database versions not stated): gnomAD exomes below 0.00001.
gnomAD v4.1: 1 of 1,614,160 alleles (0.000062%); highest among the groups gnomAD compares: East Asian, 0.0022%; no homozygotes.

Submissions (2):

Baylor Genetics
Classification: Uncertain significance for Familial cancer of breast. Last evaluated: 2023-09-26. Review status: criteria provided, single submitter. Criteria: ACMG Guidelines, 2015. Collection method: clinical testing. Allele origin: unknown.

Labcorp Genetics (formerly Invitae), Labcorp
Classification: Uncertain significance for Ataxia-telangiectasia syndrome. Last evaluated: 2022-08-21. Review status: criteria provided, single submitter. Criteria: Invitae Variant Classification Sherloc (09022015). Collection method: clinical testing. Allele origin: germline.
Comment: This sequence change replaces isoleucine, which is neutral and non-polar, with valine, which is neutral and non-polar, at codon 2401 of the ATM protein (p.Ile2401Val). This variant is not present in population databases (gnomAD no frequency). This variant has not been reported in the literature in individuals affected with ATM-related conditions. ClinVar contains an entry for this variant (Variation ID: 568732). Advanced modeling of protein sequence and biophysical properties (such as structural, functional, and spatial information, amino acid conservation, physicochemical variation, residue mobility, and thermodynamic stability) performed at Invitae indicates that this missense variant is not expected to disrupt ATM protein function. In summary, the available evidence is currently insufficient to determine the role of this variant in disease. Therefore, it has been classified as a Variant of Uncertain Significance.